The following is an entry in ClinVar:

ClinVar aggregate classification (germline): Likely pathogenic (1 of 4 stars; one submission).

Conditions:
Combined oxidative phosphorylation defect type 20. Also called: Combined oxidative phosphorylation deficiency 20. Identifiers: Orphanet 420728, MedGen C4014660, MONDO:0014397, OMIM 615917.

Submission:

Juno Genomics, Hangzhou Juno Genomics, Inc
Classification: Likely pathogenic for Combined oxidative phosphorylation defect type 20. Review status: criteria provided, single submitter. Criteria: ACMG Guidelines, 2015. Collection method: clinical testing. Allele origin: germline. Affected: yes.
Comment: Null variant in a gene where loss of function (LOF) is a known mechanism of disease.;Absent from controls (or at extremely low frequency if recessive) in Genome Aggregation Database, Exome Sequencing Project, 1000 Genomes Project, or Exome Aggregation Consortium.

NM_020442.6(VARS2):c.2280dup (p.Gly761fs)

Genes: VARS2 (valyl-tRNA synthetase 2, mitochondrial; plus strand), LOC126859646 (MED14-independent group 3 enhancer GRCh37_chr6:30889690-30890889; plus strand). Cytogenetic location: 6p21.33.
Variant type: Duplication.
Coding change: c.2280dup on transcript NM_020442.6 (MANE Select); coding-DNA position 2280, one base duplicated (A; older notation c.2280dupA).
Protein change: p.Gly761fs; shifts the reading frame from glycine 761.
Molecular consequence: frameshift variant.
Genome position (GRCh38, 1-based): chr6:30,923,198, A duplicated. VCF-style (leftmost placement, unchanged base first): chr6-30923197-T-TA. GRCh37 (hg19) VCF-style: chr6-30890974-T-TA.
Other names: c.1860dup, p.Gly621fs (NM_001167733.3); c.2370dup, p.Gly791fs (NM_001167734.2); short protein forms G621fs, G761fs, G791fs.
Identifiers: ClinVar variation 3383172 (VCV003383172.2).
Genomic context (GRCh38, chr6:30,923,197, plus strand): 5'-AGAGCTGCCGACATTTCTGCAACAAGATCTGGAATGCTCTTCGCTTTATCCTCAATGCTT[T>TA]AGGGGAGAAATTTGTGCCACAGCCTGCTGAGGAGGTAAGAGAAAACAGAGGTGCTTGGGA-3'